The following is an entry in ClinVar:

ClinVar aggregate classification (germline): Uncertain significance. Review status: criteria provided, multiple submitters, no conflicts (2 of 4 stars). 2 submissions from 2 submitters: Uncertain significance (2). Last evaluated 2024-01-01.

Conditions:
Inborn genetic diseases. Identifiers: MedGen C0950123, MeSH D030342.

Allele frequency attached by ClinVar (database versions not stated): ExAC 0.00001; gnomAD 0.00001; TOPMed 0.00002.
gnomAD v4.1: 2 of 1,612,304 alleles (0.00012%); highest among the groups gnomAD compares: African/African-American, 0.0027%; no homozygotes.

Submissions (2):

Labcorp Genetics (formerly Invitae), Labcorp
Classification: Uncertain significance. Last evaluated: 2024-01-01. Review status: criteria provided, single submitter. Criteria: Invitae Variant Classification Sherloc (09022015). Collection method: clinical testing. Allele origin: germline.
Comment: This sequence change replaces glycine, which is neutral and non-polar, with alanine, which is neutral and non-polar, at codon 339 of the MYO18B protein (p.Gly339Ala). This variant is present in population databases (rs755628746, gnomAD 0.007%). This variant has not been reported in the literature in individuals affected with MYO18B-related conditions. ClinVar contains an entry for this variant (Variation ID: 2334773). Algorithms developed to predict the effect of missense changes on protein structure and function output the following: SIFT: "Not Available"; PolyPhen-2: "Benign"; Align-GVGD: "Not Available". The alanine amino acid residue is found in multiple mammalian species, which suggests that this missense change does not adversely affect protein function. In summary, the available evidence is currently insufficient to determine the role of this variant in disease. Therefore, it has been classified as a Variant of Uncertain Significance.

Ambry Genetics
Classification: Uncertain significance for Inborn genetic diseases. Last evaluated: 2022-12-14. Review status: criteria provided, single submitter. Criteria: Ambry Variant Classification Scheme 2023. Collection method: clinical testing. Allele origin: germline.

NM_032608.7(MYO18B):c.1016G>C (p.Gly339Ala)

Gene: MYO18B (myosin XVIIIB; plus strand). Cytogenetic location: 22q12.1.
Variant type: single nucleotide variant.
Coding change: c.1016G>C on transcript NM_032608.7 (MANE Select); coding-DNA position 1016, G replaced by C.
Protein change: p.Gly339Ala; replaces glycine 339 with alanine.
Molecular consequence: missense variant.
Genome position (GRCh38, 1-based): chr22:25,768,932, G>C. VCF-style: chr22-25768932-G-C. GRCh37 (hg19) VCF-style: chr22-26164899-G-C.
Other names: c.1016G>C, p.Gly339Ala (NM_001318245.2); short protein forms G339A.
Identifiers: ClinVar variation 2334773 (VCV002334773.5), dbSNP rs755628746, ClinGen allele CA10159746.